The following is an entry in ClinVar:

NM_001044385.3(TMEM237):c.1144A>G (p.Met382Val)

Gene: TMEM237 (transmembrane protein 237; minus strand). Cytogenetic location: 2q33.1.
Variant type: single nucleotide variant.
Coding change: c.1144A>G on transcript NM_001044385.3 (MANE Select); coding-DNA position 1144, A replaced by G.
Protein change: p.Met382Val; replaces methionine 382 with valine.
Molecular consequence: missense variant.
Genome position (GRCh38, 1-based): chr2:201,626,041, T>C on the plus strand (A>G on the coding strand, the complement: TMEM237 is on the minus strand). VCF-style: chr2-201626041-T-C. GRCh37 (hg19) VCF-style: chr2-202490764-T-C.
Other names: c.1120A>G, p.Met374Val (NM_152388.4); short protein forms M374V, M382V.
Identifiers: ClinVar variation 1483610 (VCV001483610.8), dbSNP rs1437714395, ClinGen allele CA350304209.
Genomic context (GRCh38, chr2:201,626,041, plus strand): 5'-TAGAAGATTTCAGGATATTCTTATGCTATTTTTTTTCTTTAATACCTTCACTAAGATCCA[T>C]GCCTGGCCTATAAGACAAAAATAGCCAAGATAATCCAACCAGAAGAGCCACCACGAGATT-3'
Protein context (NP_001037850.1, residues 372-392): SWLFLSYRPG[Met382Val]DLSEELMFSS

ClinVar aggregate classification (germline): Uncertain significance (1 of 4 stars; one submission).

Conditions:
Joubert syndrome 14 (JBTS14). Identifiers: MedGen C3280766, MONDO:0013745, OMIM 614424.

Allele frequency attached by ClinVar (database versions not stated): TOPMed below 0.00001; gnomAD 0.00001.

Submission:

Labcorp Genetics (formerly Invitae), Labcorp
Classification: Uncertain significance for Joubert syndrome 14. Last evaluated: 2020-11-11. Review status: criteria provided, single submitter. Criteria: Invitae Variant Classification Sherloc (09022015). Collection method: clinical testing. Allele origin: germline.
Comment: This variant has not been reported in the literature in individuals with TMEM237-related conditions. Algorithms developed to predict the effect of missense changes on protein structure and function output the following: SIFT: "Tolerated"; PolyPhen-2: "Benign"; Align-GVGD: "Class C0". The valine amino acid residue is found in multiple mammalian species, suggesting that this missense change does not adversely affect protein function. These predictions have not been confirmed by published functional studies and their clinical significance is uncertain. In summary, the available evidence is currently insufficient to determine the role of this variant in disease. Therefore, it has been classified as a Variant of Uncertain Significance. This variant is not present in population databases (ExAC no frequency). This sequence change replaces methionine with valine at codon 382 of the TMEM237 protein (p.Met382Val). The methionine residue is highly conserved and there is a small physicochemical difference between methionine and valine.